The following is an entry in ClinVar:

NM_006231.4(POLE):c.6252del (p.Glu2085fs)

Gene: POLE (DNA polymerase epsilon, catalytic subunit; minus strand). Cytogenetic location: 12q24.33.
Variant type: Deletion.
Coding change: c.6252del on transcript NM_006231.4 (MANE Select); coding-DNA position 6252, one base deleted (A; older notation c.6252delA).
Protein change: p.Glu2085fs; shifts the reading frame from glutamic acid 2085.
Molecular consequence: frameshift variant.
Genome position (GRCh38, 1-based): chr12:132,632,393, T deleted on the plus strand (A on the coding strand, the reverse complement: POLE is on the minus strand). VCF-style (leftmost placement, unchanged base first): chr12-132632392-CT-C. GRCh37 (hg19) VCF-style: chr12-133208978-CT-C.
Other names: c.6252delA (NM_006231.2); short protein forms E2085fs.
Identifiers: ClinVar variation 1356261 (VCV001356261.6), dbSNP rs2138460253, ClinGen allele CA2573148188.

ClinVar aggregate classification (germline): Conflicting classifications of pathogenicity. Review status: criteria provided, conflicting classifications (1 of 4 stars). 2 submissions from 2 submitters: Pathogenic (1); Uncertain significance (1). Last evaluated 2025-07-19.

Conditions:
Hereditary cancer-predisposing syndrome. Also called: Neoplastic Syndromes, Hereditary; Tumor predisposition; Hereditary neoplastic syndrome; Hereditary Cancer Syndrome. Identifiers: Orphanet 140162, MedGen C0027672, MeSH D009386, MONDO:0015356.

Submissions (2):

Labcorp Genetics (formerly Invitae), Labcorp
Classification: Pathogenic. Last evaluated: 2025-07-19. Review status: criteria provided, single submitter. Criteria: Invitae Variant Classification Sherloc (09022015). Collection method: clinical testing. Allele origin: germline.
Comment: This sequence change creates a premature translational stop signal (p.Glu2085Argfs*38) in the POLE gene. It is expected to result in an absent or disrupted protein product. Loss-of-function variants in POLE are known to be pathogenic (PMID: 23230001, 25948378, 30503519). This variant is not present in population databases (gnomAD no frequency). This variant has not been reported in the literature in individuals affected with POLE-related conditions. ClinVar contains an entry for this variant (Variation ID: 1356261). For these reasons, this variant has been classified as Pathogenic.

Ambry Genetics
Classification: Uncertain significance for Hereditary cancer-predisposing syndrome. Last evaluated: 2024-12-16. Review status: criteria provided, single submitter. Criteria: Ambry Variant Classification Scheme 2023. Collection method: clinical testing. Allele origin: germline.
Comment: The c.6252delA variant, located in coding exon 45 of the POLE gene, results from a deletion of one nucleotide at nucleotide position 6252, causing a translational frameshift with a predicted alternate stop codon (p.E2085Rfs*38). This alteration is expected to result in loss of function by premature protein truncation or nonsense-mediated mRNA decay. Loss-of-function variants subject to nonsense mediated decay (NMD) in POLE are known to cause POLE-deficiency; however, such associations with POLE-related polymerase proofreading-associated polyposis (PPAP) have not been reported. Based on the supporting evidence, this alteration is pathogenic for POLE-deficiency; however, the association of this alteration with POLE-relate PPAP is unknown.

Literature cited by the submitters: PubMed 23230001 (cited by Labcorp Genetics (formerly Invitae), Labcorp); PubMed 25948378 (cited by Labcorp Genetics (formerly Invitae), Labcorp); PubMed 30503519 (cited by Labcorp Genetics (formerly Invitae), Labcorp).